The following is an entry in ClinVar:

ClinVar aggregate classification (germline): Uncertain significance. Review status: criteria provided, multiple submitters, no conflicts (2 of 4 stars). 3 submissions from 3 submitters: Uncertain significance (3). Last evaluated 2025-05-28.

Conditions:
Hereditary cancer-predisposing syndrome. Also called: Neoplastic Syndromes, Hereditary; Tumor predisposition; Hereditary neoplastic syndrome; Hereditary Cancer Syndrome. Identifiers: Orphanet 140162, MedGen C0027672, MeSH D009386, MONDO:0015356.
Cardiovascular phenotype. Identifiers: MedGen CN230736.

Allele frequency attached by ClinVar (database versions not stated): gnomAD exomes below 0.00001; TOPMed below 0.00001.

Submissions (3):

Ambry Genetics
Classification: Uncertain significance for Cardiovascular phenotype; Hereditary cancer-predisposing syndrome. Last evaluated: 2025-05-28. Review status: criteria provided, single submitter. Criteria: Ambry Variant Classification Scheme 2023. Collection method: clinical testing. Allele origin: germline.
Comment: The p.M240I variant (also known as c.720G>A), located in coding exon 8 of the LZTR1 gene, results from a G to A substitution at nucleotide position 720. The methionine at codon 240 is replaced by isoleucine, an amino acid with highly similar properties. This amino acid position is highly conserved in available vertebrate species. In addition, the in silico prediction for this alteration is inconclusive. Based on the available evidence, the clinical significance of this variant remains unclear.

Labcorp Genetics (formerly Invitae), Labcorp
Classification: Uncertain significance. Last evaluated: 2024-04-10. Review status: criteria provided, single submitter. Criteria: Invitae Variant Classification Sherloc (09022015). Collection method: clinical testing. Allele origin: germline.
Comment: This sequence change replaces methionine, which is neutral and non-polar, with isoleucine, which is neutral and non-polar, at codon 240 of the LZTR1 protein (p.Met240Ile). This variant is not present in population databases (gnomAD no frequency). This variant has not been reported in the literature in individuals affected with LZTR1-related conditions. Advanced modeling of protein sequence and biophysical properties (such as structural, functional, and spatial information, amino acid conservation, physicochemical variation, residue mobility, and thermodynamic stability) performed at Invitae indicates that this missense variant is not expected to disrupt LZTR1 protein function with a negative predictive value of 80%. In summary, the available evidence is currently insufficient to determine the role of this variant in disease. Therefore, it has been classified as a Variant of Uncertain Significance.

GeneDx
Classification: Uncertain significance. Last evaluated: 2023-11-09. Review status: criteria provided, single submitter. Criteria: GeneDx Variant Classification Process June 2021. Collection method: clinical testing. Allele origin: germline. Affected: yes.
Comment: Not observed at significant frequency in large population cohorts (gnomAD); In silico analysis supports that this missense variant has a deleterious effect on protein structure/function; Has not been previously published as pathogenic or benign to our knowledge

NM_006767.4(LZTR1):c.720G>A (p.Met240Ile)

Gene: LZTR1 (leucine zipper like post translational regulator 1; plus strand). Cytogenetic location: 22q11.21.
Variant type: single nucleotide variant.
Coding change: c.720G>A on transcript NM_006767.4 (MANE Select); coding-DNA position 720, G replaced by A.
Protein change: p.Met240Ile; replaces methionine 240 with isoleucine.
Molecular consequence: missense variant.
Genome position (GRCh38, 1-based): chr22:20,990,454, G>A. VCF-style: chr22-20990454-G-A. GRCh37 (hg19) VCF-style: chr22-21344743-G-A.
Other names: short protein forms M240I.
Identifiers: ClinVar variation 3238333 (VCV003238333.5), dbSNP rs1466927211.
Genomic context (GRCh38, chr22:20,990,454, plus strand): 5'-GAGTGGCGAGATCCCCCCATCTTGCTGCAACTTCCCCGTGGCTGTGTGCCGGGACAAGAT[G>A]TTTGTATTCTCTGGGCAAAGCGGAGCCAAAATAACCAACAACCTCTTCCAGTTTGAATTC-3'
Protein context (NP_006758.2, residues 230-250): NFPVAVCRDK[Met240Ile]FVFSGQSGAK